The following is an entry in ClinVar:

ClinVar aggregate classification (germline): Conflicting classifications of pathogenicity. Review status: criteria provided, conflicting classifications (1 of 4 stars). 3 submissions from 3 submitters: Likely pathogenic (2); Uncertain significance (1). Last evaluated 2024-10-03.

Conditions:
PAX6-related ocular dysgenesis. Identifiers: MedGen CN322461, MONDO:0800183.
Iris coloboma. Also called: Coloboma of iris. Identifiers: Orphanet 98944, MedGen C0240063, MONDO:0020356, HP:0000612.

Submissions (3):

Molecular Genetics, Royal Melbourne Hospital
Classification: Likely pathogenic for PAX6-related ocular dysgenesis. Last evaluated: 2024-10-03. Review status: criteria provided, single submitter. Criteria: ACMG Guidelines, 2015. Collection method: clinical testing. Allele origin: germline. Inheritance: Autosomal dominant inheritance. Affected: yes.
Comment: This sequence change in PAX6 is an intronic variant located in intron 5. The results from an in silico splicing predictor (SpliceAI) indicate that this variant may not impact the splicing. However, alternative splicing of PAX6 results in multiple transcript variants encoding different isoforms. The inclusion of a particular alternate coding exon has been shown to increase the length of the paired box domain and alter its DNA binding specificity. Consequently, isoforms that carry the shorter paired box domain (where the variant is known as c.142-139T>C) regulate a different set of genes compared to the isoforms containing the longer paired box domain. The variant causes a significant upregulation of the longer paired box domain isoform and subsequent reduction of the shorter isoform (PMID: 7958875). This variant is absent from the population database gnomAD v4.1. It has been reported in multiple individuals with nystagmus with or without cataracts and iris coloboma and segregates with the disease in at least two families (PMID: 7958875, 32214788; GeneDx; Royal Melbourne Hospital; ClinVar: SCV002583619.1). In two of these individuals, the variant has been identified as a de novo occurrence (PMID: 7958875; ClinVar: SCV002583619.1). Based on the classification scheme RMH Modified ACMG/AMP Guidelines v1.7.0, this variant is classified as LIKELY PATHOGENIC. Following criteria are met: PS2/PM6_Strong, PM2_Supporting, PS3_Supporting, PS4_Supporting, PP1, BP4.

GeneDx
Classification: Uncertain significance. Last evaluated: 2023-07-20. Review status: criteria provided, single submitter. Criteria: GeneDx Variant Classification Process June 2021. Collection method: clinical testing. Allele origin: germline. Affected: yes.
Comment: Not observed in large population cohorts (gnomAD); In silico analysis supports that this variant does not alter splicing; Has not been previously published as pathogenic or benign to our knowledge

Genetics Department, University Hospital of Toulouse
Classification: Likely pathogenic for Iris coloboma. Last evaluated: 2022-10-15. Review status: criteria provided, single submitter. Criteria: ACMG Guidelines, 2015. Collection method: clinical testing. Allele origin: germline. Affected: yes.
Comment: LP (PS2, PM2, PP3)

Literature cited by the submitters: PubMed 7958875 (cited by Molecular Genetics, Royal Melbourne Hospital); PubMed 32214788 (cited by Molecular Genetics, Royal Melbourne Hospital).

NM_001368894.2(PAX6):c.142-3T>C

Gene: PAX6 (paired box 6; minus strand). Cytogenetic location: 11p13.
Variant type: single nucleotide variant.
Coding change: c.142-3T>C on transcript NM_001368894.2 (MANE Select); 3 bases into the intron before coding-DNA position 142, T replaced by C.
Molecular consequence: intron variant.
Genome position (GRCh38, 1-based): chr11:31,801,915, A>G on the plus strand (T>C on the coding strand, the complement: PAX6 is on the minus strand). VCF-style: chr11-31801915-A-G. GRCh37 (hg19) VCF-style: chr11-31823463-A-G.
Other names: c.142-139T>C (NM_001127612.3, NM_001368890.2, NM_001368888.2 and 11 more transcripts); c.142-3T>C (NM_001368921.2, NM_001368923.2, NM_001258462.3 and 13 more transcripts); c.217-3T>C (NM_001368919.2, NM_001368918.2); c.385-139T>C (NM_001368910.2); c.-267-139T>C (NM_001368909.2, NM_001368904.2, NM_001368906.2 and 3 more transcripts); c.145-3T>C (NM_001368911.2); c.-640-3T>C (NM_001368905.2, NM_001310160.2); c.217-139T>C (NM_001368920.2); and 2 more.
Identifiers: ClinVar variation 1710344 (VCV001710344.3), dbSNP rs2496174697, ClinGen allele CA2580084046.